The following is an entry in ClinVar:

NM_144670.6(A2ML1):c.3041T>A (p.Leu1014Gln)

Gene: A2ML1 (alpha-2-macroglobulin like 1; plus strand). Cytogenetic location: 12p13.31.
Variant type: single nucleotide variant.
Coding change: c.3041T>A on transcript NM_144670.6 (MANE Select); coding-DNA position 3041, T replaced by A.
Protein change: p.Leu1014Gln; replaces leucine 1014 with glutamine.
Molecular consequence: missense variant.
Genome position (GRCh38, 1-based): chr12:8,857,522, T>A. VCF-style: chr12-8857522-T-A. GRCh37 (hg19) VCF-style: chr12-9010118-T-A.
Other names: c.1568T>A, p.Leu523Gln (NM_001282424.3); short protein forms L1014Q, L523Q.
Identifiers: ClinVar variation 4733952 (VCV004733952.1).

ClinVar aggregate classification (germline): Uncertain significance (1 of 4 stars; one submission).

Submission:

Labcorp Genetics (formerly Invitae), Labcorp
Classification: Uncertain significance. Last evaluated: 2026-01-05. Review status: criteria provided, single submitter. Criteria: Invitae Variant Classification Sherloc (09022015). Collection method: clinical testing. Allele origin: germline.
Comment: This sequence change replaces leucine, which is neutral and non-polar, with glutamine, which is neutral and polar, at codon 1014 of the A2ML1 protein (p.Leu1014Gln). This variant is not present in population databases (gnomAD no frequency). This variant has not been reported in the literature in individuals affected with A2ML1-related conditions. An algorithm developed to predict the effect of missense changes on protein structure and function (PolyPhen-2) suggests that this variant is likely to be disruptive. In summary, the available evidence is currently insufficient to determine the role of this variant in disease. Therefore, it has been classified as a Variant of Uncertain Significance.